The following is an entry in ClinVar:

ClinVar aggregate classification (germline): Pathogenic. Review status: criteria provided, single submitter (1 of 4 stars). 2 submissions from 2 submitters: Pathogenic (1). 1 of the submissions does not count toward it. Last evaluated 2018-08-20.

Conditions:
Fanconi-Bickel syndrome (FBS). Also called: FANCONI SYNDROME WITH INTESTINAL MALABSORPTION AND GALACTOSE INTOLERANCE; HEPATIC GLYCOGENOSIS WITH AMINO ACIDURIA AND GLUCOSURIA; HEPATIC GLYCOGENOSIS WITH FANCONI NEPHROPATHY; HEPATORENAL GLYCOGENOSIS WITH RENAL FANCONI SYNDROME; PSEUDO-PHLORIZIN DIABETES; Glycogen storage disease due to GLUT2 deficiency. Identifiers: Orphanet 2088, MedGen C3495427, MONDO:0009216, OMIM 227810.

Allele frequency attached by ClinVar (database versions not stated): TOPMed 0.00001.

Submissions (2):

Labcorp Genetics (formerly Invitae), Labcorp
Classification: Pathogenic for Fanconi-Bickel syndrome. Last evaluated: 2018-08-20. Review status: criteria provided, single submitter. Criteria: Invitae Variant Classification Sherloc (09022015). Collection method: clinical testing. Allele origin: germline.
Comment: This sequence change creates a premature translational stop signal (p.Glu209*) in the SLC2A2 gene. It is expected to result in an absent or disrupted protein product. This variant is not present in population databases (ExAC no frequency). This variant has not been reported in the literature in individuals with SLC2A2-related disease. ClinVar contains an entry for this variant (Variation ID: 427888). Loss-of-function variants in SLC2A2 are known to be pathogenic (PMID: 11810292). For these reasons, this variant has been classified as Pathogenic.

Institute of Human Genetics, Cologne University
Classification: Pathogenic for Fanconi-Bickel syndrome. Review status: no assertion criteria provided. Collection method: clinical testing. Allele origin: biparental. Inheritance: Autosomal recessive inheritance. Affected: yes. Observed: 1 variant allele, 1 homozygote. Not counted in ClinVar's aggregate classification.

NM_000340.2(SLC2A2):c.625G>T (p.Glu209Ter)

Gene: SLC2A2 (solute carrier family 2 member 2; minus strand). Cytogenetic location: 3q26.2.
Variant type: single nucleotide variant.
Coding change: c.625G>T on transcript NM_000340.2 (MANE Select); coding-DNA position 625, G replaced by T.
Protein change: p.Glu209Ter; replaces glutamic acid 209 with a stop codon.
Molecular consequence: nonsense.
Genome position (GRCh38, 1-based): chr3:171,006,093, C>A on the plus strand (G>T on the coding strand, the complement: SLC2A2 is on the minus strand). VCF-style: chr3-171006093-C-A. GRCh37 (hg19) VCF-style: chr3-170723882-C-A.
Other names: c.268G>T, p.Glu90Ter (NM_001278658.2); c.106G>T, p.Glu36Ter (NM_001278659.2); short protein forms E209*, E90*, E36*.
Identifiers: ClinVar variation 427888 (VCV000427888.2), dbSNP rs1114167428, ClinGen allele CA355489740.
Genomic context (GRCh38, chr3:171,006,093, plus strand): 5'-CTCGCACACCAGACAGGCCAAGCAGGATGTGCCACAGATCATAATTGCCCAAGATAAATT[C>A]AAGACCAATAATCTGAAAATGCAAGGAGGAAGTATATCAACTACATAATACTTTGGATCT-3'